The following is an entry in ClinVar:

ClinVar aggregate classification (germline): Uncertain significance (1 of 4 stars; one submission).

Conditions:
Martsolf syndrome (MARTS). Also called: Congenital cataract with intellectual disability and hypogonadotropic hypogonadism syndrome. Identifiers: Orphanet 1387, MedGen C0796037, MONDO:0023910.
Warburg micro syndrome 2 (WARBM2). Also called: MICRO SYNDROME 2. Identifiers: Orphanet 2510, MedGen C3280214, MONDO:0013641, OMIM 614225.

Allele frequency attached by ClinVar (database versions not stated): TOPMed below 0.00001; gnomAD 0.00001; gnomAD exomes 0.00001.
gnomAD v4.1: 9 of 1,601,864 alleles (0.00056%); highest among the groups gnomAD compares: Non-Finnish European, 0.00077%; no homozygotes.

Submission:

Labcorp Genetics (formerly Invitae), Labcorp
Classification: Uncertain significance for Martsolf syndrome; Warburg micro syndrome 2. Last evaluated: 2022-08-19. Review status: criteria provided, single submitter. Criteria: Invitae Variant Classification Sherloc (09022015). Collection method: clinical testing. Allele origin: germline.
Comment: This sequence change replaces glutamine, which is neutral and polar, with arginine, which is basic and polar, at codon 234 of the RAB3GAP2 protein (p.Gln234Arg). In summary, the available evidence is currently insufficient to determine the role of this variant in disease. Therefore, it has been classified as a Variant of Uncertain Significance. Algorithms developed to predict the effect of missense changes on protein structure and function are either unavailable or do not agree on the potential impact of this missense change (SIFT: "Tolerated"; PolyPhen-2: "Probably Damaging"; Align-GVGD: "Class C0"). This variant has not been reported in the literature in individuals affected with RAB3GAP2-related conditions. This variant is present in population databases (no rsID available, gnomAD 0.0009%).

NM_012414.4(RAB3GAP2):c.701A>G (p.Gln234Arg)

Gene: RAB3GAP2 (RAB3 GTPase activating non-catalytic protein subunit 2; minus strand). Cytogenetic location: 1q41.
Variant type: single nucleotide variant.
Coding change: c.701A>G on transcript NM_012414.4 (MANE Select); coding-DNA position 701, A replaced by G.
Protein change: p.Gln234Arg; replaces glutamine 234 with arginine.
Molecular consequence: missense variant.
Genome position (GRCh38, 1-based): chr1:220,205,918, T>C on the plus strand (A>G on the coding strand, the complement: RAB3GAP2 is on the minus strand). VCF-style: chr1-220205918-T-C. GRCh37 (hg19) VCF-style: chr1-220379260-T-C.
Other names: short protein forms Q234R.
Identifiers: ClinVar variation 2010462 (VCV002010462.4), dbSNP rs1391266609, ClinGen allele CA344730003.